The following is an entry in ClinVar:

ClinVar aggregate classification (germline): Uncertain significance (1 of 4 stars; one submission).

Conditions:
Familial thoracic aortic aneurysm and aortic dissection (TAAD). Also called: Thoracic aortic aneurysms and dissections. Identifiers: Orphanet 91387, MedGen C4707243, MONDO:0019625.

Submission:

Color Diagnostics, LLC DBA Color Health
Classification: Uncertain significance for Familial thoracic aortic aneurysm and aortic dissection. Last evaluated: 2024-03-07. Review status: criteria provided, single submitter. Criteria: ACMG Guidelines, 2015. Collection method: clinical testing. Allele origin: germline.
Comment: This missense variant replaces alanine with serine at codon 1084 of the COL3A1 protein. Computational prediction suggests that this variant may not impact protein structure and function (internally defined REVEL score threshold <= 0.5, PMID: 27666373). To our knowledge, functional studies have not been reported for this variant. This variant has not been reported in individuals affected with cardiovascular disorders in the literature. This variant has not been identified in the general population by the Genome Aggregation Database (gnomAD). The available evidence is insufficient to determine the role of this variant in disease conclusively. Therefore, this variant is classified as a Variant of Uncertain Significance.

NM_000090.4(COL3A1):c.3250G>T (p.Ala1084Ser)

Gene: COL3A1 (collagen type III alpha 1 chain; plus strand). Cytogenetic location: 2q32.2.
Variant type: single nucleotide variant.
Coding change: c.3250G>T on transcript NM_000090.4 (MANE Select); coding-DNA position 3250, G replaced by T.
Protein change: p.Ala1084Ser; replaces alanine 1084 with serine.
Molecular consequence: missense variant.
Genome position (GRCh38, 1-based): chr2:189,006,985, G>T. VCF-style: chr2-189006985-G-T. GRCh37 (hg19) VCF-style: chr2-189871711-G-T.
Other names: short protein forms A1084S.
Identifiers: ClinVar variation 1171049 (VCV001171049.3), dbSNP rs113038686, ClinGen allele CA349845314.